The following is an entry in ClinVar:

NM_000153.4(GALC):c.908+1G>A

Gene: GALC (galactosylceramidase; minus strand). Cytogenetic location: 14q31.3.
Variant type: single nucleotide variant.
Coding change: c.908+1G>A on transcript NM_000153.4 (MANE Select); the canonical splice donor site of the intron after coding-DNA position 908, G replaced by A.
Molecular consequence: splice donor variant.
Genome position (GRCh38, 1-based): chr14:87,968,334, C>T on the plus strand (G>A on the coding strand, the complement: GALC is on the minus strand). VCF-style: chr14-87968334-C-T. GRCh37 (hg19) VCF-style: chr14-88434678-C-T.
Other names: c.830+1G>A (NM_001201402.2); c.839+1G>A (NM_001201401.2).
Identifiers: ClinVar variation 188815 (VCV000188815.38), dbSNP rs750524447, ClinGen allele CA273993.

ClinVar aggregate classification (germline): Pathogenic. Review status: criteria provided, multiple submitters, no conflicts (2 of 4 stars). 7 submissions from 7 submitters: Pathogenic (7). Last evaluated 2025-07-07.

Conditions:
Galactosylceramide beta-galactosidase deficiency. Also called: GALACTOCEREBROSIDASE DEFICIENCY; GALC DEFICIENCY; GLOBOID CELL LEUKOENCEPHALOPATHY; Leukodystrophy, Globoid Cell; Krabbe Disease. Identifiers: Orphanet 487, MedGen C0023521, MONDO:0009499, OMIM 245200.
Abnormality of the nervous system. Also called: Congenital nervous system disorder. Identifiers: MedGen C0497552, MONDO:0002320, HP:0000707.

Allele frequency attached by ClinVar (database versions not stated): TOPMed below 0.00001; ExAC 0.00001; gnomAD 0.00001.
gnomAD v4.1: 7 of 1,607,026 alleles (0.00044%); highest among the groups gnomAD compares: East Asian, 0.0045%; no homozygotes.

Submissions (7):

Natera, Inc.
Classification: Pathogenic for Galactosylceramide beta-galactosidase deficiency. Last evaluated: 2025-07-07. Review status: criteria provided, single submitter. Criteria: Natera Variant Classification Schema (03/2026). Collection method: clinical testing. Allele origin: germline.
Comment: The c.908+1G>A variant in GALC is a canonical splice donor site variant predicted to affect pre-mRNA splicing, which may result in an abnormal transcript and altered protein product. This variant is expected to result in nonsense mediated decay, truncation, or a dysfunctional protein product. This variant is rare in the general population with a frequency below the threshold expected for the associated phenotype(s). This variant has been observed in one or more individuals affected with the associated recessive disease, as either homozygous or compound heterozygous with a second variant (PMID: 28547031, 22520351, 22115770). Given the available evidence, this variant is classified as Pathogenic.

Labcorp Genetics (formerly Invitae), Labcorp
Classification: Pathogenic for Galactosylceramide beta-galactosidase deficiency. Last evaluated: 2024-06-12. Review status: criteria provided, single submitter. Criteria: Invitae Variant Classification Sherloc (09022015). Collection method: clinical testing. Allele origin: germline.
Comment: This sequence change affects a donor splice site in intron 8 of the GALC gene. It is expected to disrupt RNA splicing. Variants that disrupt the donor or acceptor splice site typically lead to a loss of protein function (PMID: 16199547), and loss-of-function variants in GALC are known to be pathogenic (PMID: 7437911, 9272171, 16607461). This variant is present in population databases (rs750524447, gnomAD 0.007%). Disruption of this splice site has been observed in individual(s) with Krabbe disease (PMID: 22115770, 22520351, 28547031). This variant is also known as c.860+1G>A. ClinVar contains an entry for this variant (Variation ID: 188815). Algorithms developed to predict the effect of sequence changes on RNA splicing suggest that this variant may disrupt the consensus splice site. For these reasons, this variant has been classified as Pathogenic.

Myriad Genetics, Inc.
Classification: Pathogenic for Galactosylceramide beta-galactosidase deficiency. Last evaluated: 2021-11-12. Review status: criteria provided, single submitter. Criteria: Myriad Women's Health Autosomal Recessive and X-Linked Classification Criteria (2021). Collection method: clinical testing. Allele origin: unknown.
Comment: NM_000153.3(GALC):c.908+1G>A is a canonical splice variant classified as pathogenic in the context of Krabbe disease. c.908+1G>A has been observed in cases with relevant disease (PMID: 22115770, 22520351, 28547031). Functional assessments of this variant are not available in the literature. c.908+1G>A has been observed in population frequency databases (gnomAD: SAS 0.01%). In summary, NM_000153.3(GALC):c.908+1G>A is a canonical splice variant that has internal structural support for pathogenicity and has been observed more frequently in cases with the relevant disease than in healthy populations. Please note: this variant was assessed in the context of healthy population screening.

Revvity Omics, Revvity
Classification: Pathogenic. Last evaluated: 2021-08-30. Review status: criteria provided, single submitter. Criteria: ACMG Guidelines, 2015. Collection method: clinical testing. Allele origin: germline.

Kariminejad - Najmabadi Pathology & Genetics Center
Classification: Pathogenic for Abnormality of the nervous system. Last evaluated: 2021-07-10. Review status: criteria provided, single submitter. Criteria: ACMG Guidelines, 2015. Collection method: clinical testing. Allele origin: germline. Affected: yes.

Women's Health and Genetics/Laboratory Corporation of America, LabCorp
Classification: Pathogenic for Galactosylceramide beta-galactosidase deficiency. Last evaluated: 2019-12-30. Review status: criteria provided, single submitter. Criteria: LabCorp Variant Classification Summary - May 2015. Collection method: clinical testing. Allele origin: germline.
Comment: Variant summary: GALC c.908+1G>A is located in a canonical splice-site and is predicted to affect mRNA splicing resulting in a significantly altered protein due to either exon skipping, shortening, or inclusion of intronic material. Several computational tools predict a significant impact on normal splicing: Three predict the variant abolishes the canonical 5' splicing donor site. However, these predictions have yet to be confirmed by functional studies. The variant allele was found at a frequency of 1.6e-05 in 245538 control chromosomes. c.908+1G>A has been reported in the literature in individuals affected with Krabbe Disease (example, Puckett_2012, Duffner_2012, Africa_2017). These data indicate that the variant is likely to be associated with disease. To our knowledge, no experimental evidence demonstrating an impact on protein function has been reported. No clinical diagnostic laboratories have submitted clinical-significance assessments for this variant to ClinVar after 2014 although one submitter has classified the variant as likely pathogenic before 2014 using overlapping evidence utilized in the context of this evaluation. Based on the evidence outlined above, the variant was classified as pathogenic.

Lifecell International Pvt. Ltd
Classification: Pathogenic for Galactosylceramide beta-galactosidase deficiency. Review status: criteria provided, single submitter. Criteria: ACMG Guidelines, 2015. Collection method: clinical testing. Allele origin: germline. Inheritance: Autosomal recessive inheritance. Affected: yes. Observed: 1 compound heterozygote.
Comment: A Heterozygous, Splice site donor variant c.908+1G>A in Exon 8 of the GALC gene. The observed variant has a minor allele frequency of 0.00002/% in gnomAD exomes and genomes, respectively. The severity of the impact of this variant on the protein is high, based on the effect of the protein and REVEL score. Rare Exome Variant Ensemble Learner (REVEL) is an ensembl method for predicting the pathogenicity of missense variants based on a combination of scores from 13 individual tools: MutPred, FATHMM v2.3, VEST 3.0, PolyPhen-2, SIFT, PROVEAN, MutationAssessor, MutationTaster, LRT, GERP++, SiPhy, phyloP, and phastCons. The REVEL score for an individual missense variant can range from 0 to 1, with higher scores reflecting greater likelihood that the variant is disease-causing. ClinVar has also classified this variant as Pathogenic/ Likely Pathogenic (Variation ID: 188815). The variant has been previously reported for Krabee disease by Puckett RL, et al., 2012.Based on the above evidence this variant has been classified as Pathogenic according to the ACMG guidelines.

Literature cited by the submitters: PubMed 28547031 (cited by 4 submitters); PubMed 22520351 (cited by 4 submitters); PubMed 22115770 (cited by 5 submitters); PubMed 16199547 (cited by Labcorp Genetics (formerly Invitae), Labcorp); PubMed 7437911 (cited by Labcorp Genetics (formerly Invitae), Labcorp); PubMed 9272171 (cited by Labcorp Genetics (formerly Invitae), Labcorp); PubMed 16607461 (cited by Labcorp Genetics (formerly Invitae), Labcorp); PubMed 26795590 (cited by Women's Health and Genetics/Laboratory Corporation of America, LabCorp).